The following continues an entry in ClinVar:

NM_000138.5(FBN1):c.2956G>A (p.Ala986Thr)

Gene: FBN1. ClinVar aggregate classification (germline): Benign. Benign (1).

Submissions 18 to 31 of 31:

CHEO Genetics Diagnostic Laboratory, Children's Hospital of Eastern Ontario
Classification: Benign for Familial thoracic aortic aneurysm and aortic dissection. Last evaluated: 2017-11-16. Review status: criteria provided, single submitter. Criteria: ACMG Guidelines, 2015. Collection method: clinical testing. Allele origin: germline. Not counted in ClinVar's aggregate classification.

Center for Human Genetics, Inc
Classification: Likely benign for Connective tissue disorder. Last evaluated: 2016-11-01. Review status: criteria provided, single submitter. Criteria: ACMG Guidelines, 2015. Collection method: clinical testing. Allele origin: germline. Affected: yes. Not counted in ClinVar's aggregate classification.

Eurofins Ntd Llc (ga)
Classification: Likely benign. Last evaluated: 2016-08-15. Review status: criteria provided, single submitter. Criteria: EGL Classification Definitions 2015. Collection method: clinical testing. Allele origin: germline. Observed: 1 variant allele, 1 heterozygote. Not counted in ClinVar's aggregate classification.

Genomic Diagnostic Laboratory, Division of Genomic Diagnostics, Children's Hospital of Philadelphia
Classification: Benign for Marfan's syndrome. Last evaluated: 2015-07-09. Review status: criteria provided, single submitter. Criteria: DGD Variant Analysis Guidelines. Collection method: clinical testing. Allele origin: unknown. Not counted in ClinVar's aggregate classification.

CSER _CC_NCGL, University of Washington
Classification: Likely benign for Marfan Syndrome. Last evaluated: 2015-03-11. Review status: criteria provided, single submitter. Criteria: Amendola et al. (Genome Res. 2015). Collection method: research. Allele origin: germline. Inheritance: Autosomal dominant inheritance. Study: CSER - NEXT Medicine variant annotation. Not counted in ClinVar's aggregate classification.

Ambry Genetics
Classification: Benign for Familial thoracic aortic aneurysm and aortic dissection. Last evaluated: 2015-02-18. Review status: criteria provided, single submitter. Criteria: Ambry Variant Classification Scheme 2023. Collection method: clinical testing. Allele origin: germline. Not counted in ClinVar's aggregate classification.

Laboratory for Molecular Medicine, Mass General Brigham Personalized Medicine
Classification: Likely benign. Last evaluated: 2014-12-02. Review status: criteria provided, single submitter. Criteria: LMM Criteria. Collection method: clinical testing. Allele origin: germline. Observed: 2 variant alleles. Not counted in ClinVar's aggregate classification.
Comment: p.Ala986Thr in exon 25 of FBN1: This variant is not expected to have clinical si gnificance because it has been identified in 0.198% (134/67678) of non-Finnish E uropean chromosomes by the Exome Aggregation Consortium (ExAC; dbSNP rs112287730). This variant has been reported in 5 individua ls with clinical features of Marfan syndrom and/or connective tissue disorder, b ut was also identified in 2 unaffected relatives from two families (Rommel 2002, Frederic 2009, Aboni 2013, Lerner-Ellis 2014).

Center for Genomics, Ann and Robert H. Lurie Children's Hospital of Chicago
Classification: Likely benign for Geleophysic dysplasia 2; Weill-Marchesani syndrome 2, dominant; Ectopia lentis 1, isolated, autosomal dominant; MASS syndrome; Progeroid and marfanoid aspect-lipodystrophy syndrome; Acromicric dysplasia; Marfan syndrome; Stiff skin syndrome. Review status: criteria provided, single submitter. Criteria: ACMG Guidelines, 2015. Collection method: clinical testing. Allele origin: germline. Not counted in ClinVar's aggregate classification.
Comment: FBN1 NM_000138.4 exon 25 p.Ala986Thr (c.2956G>A): This variant has been reported in the literature in at least 4 individuals with features of connective tissues disorders (Lerner-Ellis 2014 PMID:24793577, Arnaud 2017 PMID:27582083, Cousin 2017 PMID:28679693, Girdauskas 2017 PMID:28387797). However, this variant is also present in 0.1% (20/10474) of Finnish alleles in the Genome Aggregation Database and is present in ClinVar, with several labs classifying this variant as benign or likely benign (Variation ID:36060). Evolutionary conservation and computational predictive tools suggest that this variant may not impact the protein. In summary, data on this variant suggests that this variant does not cause disease, but requires further evidence. Therefore this variant is classified as likely benign

PreventionGenetics, part of Exact Sciences
Classification: Likely benign for FBN1-related condition. Last evaluated: 2020-05-12. Review status: no assertion criteria provided. Collection method: clinical testing. Allele origin: germline. Not counted in ClinVar's aggregate classification.
Comment: This variant is classified as likely benign based on ACMG/AMP sequence variant interpretation guidelines (Richards et al. 2015 PMID: 25741868, with internal and published modifications).

Center for Medical Genetics Ghent, University of Ghent
Classification: Uncertain significance for Marfan syndrome. Last evaluated: 2017-11-07. Review status: no assertion criteria provided. Collection method: clinical testing. Allele origin: germline. Affected: yes. Not counted in ClinVar's aggregate classification.

Women's Health and Genetics/Laboratory Corporation of America, LabCorp
Classification: Benign for Marfan's syndrome. Last evaluated: 2012-03-13. Review status: no assertion criteria provided. Collection method: clinical testing. Allele origin: germline. Not counted in ClinVar's aggregate classification.

Genome Diagnostics Laboratory, Amsterdam University Medical Center
Classification: Benign. Review status: no assertion criteria provided. Collection method: clinical testing. Allele origin: germline. Affected: yes. Study: VKGL Data-share Consensus. Not counted in ClinVar's aggregate classification.

Genome Diagnostics Laboratory, University Medical Center Utrecht
Classification: Likely benign. Review status: no assertion criteria provided. Collection method: clinical testing. Allele origin: germline. Affected: yes. Study: VKGL Data-share Consensus. Not counted in ClinVar's aggregate classification.

Laboratory of Diagnostic Genome Analysis, Leiden University Medical Center (LUMC)
Classification: Likely benign. Review status: no assertion criteria provided. Collection method: clinical testing. Allele origin: germline. Affected: yes. Study: VKGL Data-share Consensus. Not counted in ClinVar's aggregate classification.

Literature cited by the submitters: PubMed 12402346 (cited by Ambry Genetics and Laboratory for Molecular Medicine, Mass General Brigham Personalized Medicine); PubMed 19370756 (cited by Ambry Genetics); PubMed 24793577 (cited by Ambry Genetics and Laboratory for Molecular Medicine, Mass General Brigham Personalized Medicine); PubMed 16220557 (cited by Laboratory for Molecular Medicine, Mass General Brigham Personalized Medicine); PubMed 23608731 (cited by Laboratory for Molecular Medicine, Mass General Brigham Personalized Medicine).